The following is an entry in ClinVar:

NM_001376.5(DYNC1H1):c.4396-25A>G

Gene: DYNC1H1 (dynein cytoplasmic 1 heavy chain 1; plus strand). Cytogenetic location: 14q32.31.
Variant type: single nucleotide variant.
Coding change: c.4396-25A>G on transcript NM_001376.5 (MANE Select); 25 bases into the intron before coding-DNA position 4396, A replaced by G.
Molecular consequence: intron variant.
Genome position (GRCh38, 1-based): chr14:102,001,510, A>G. VCF-style: chr14-102001510-A-G. GRCh37 (hg19) VCF-style: chr14-102467847-A-G.
Identifiers: ClinVar variation 674076 (VCV000674076.6), dbSNP rs2251644, ClinGen allele CA7352234.

ClinVar aggregate classification (germline): Benign. Review status: criteria provided, multiple submitters, no conflicts (2 of 4 stars). 6 submissions from 4 submitters: Benign (6). Last evaluated 2021-07-30.

Conditions:
Charcot-Marie-Tooth disease. Also called: Charcot-Marie-Tooth Neuropathy; Charcot-Marie-Tooth Hereditary Neuropathy. Identifiers: Orphanet 166, MedGen C0007959, MONDO:0015626.
Charcot-Marie-Tooth disease axonal type 2O. Also called: CHARCOT-MARIE-TOOTH NEUROPATHY, AXONAL, TYPE 2O; CHARCOT-MARIE-TOOTH DISEASE, AXONAL, AUTOSOMAL DOMINANT, TYPE 2O; Charcot-Marie-Tooth Neuropathy Type 2O; Charcot-Marie-Tooth disease, axonal, type 20. Identifiers: Orphanet 284232, MedGen C3280220, MONDO:0013644, OMIM 614228.
Autosomal dominant childhood-onset proximal spinal muscular atrophy without contractures. Also called: SPINAL MUSCULAR ATROPHY, JUVENILE, PROXIMAL, AUTOSOMAL DOMINANT; KUGELBERG-WELANDER SYNDROME, AUTOSOMAL DOMINANT; Spinal muscular atrophy, lower extremity-predominant 1, AD; SPINAL MUSCULAR ATROPHY, CHILDHOOD, PROXIMAL, AUTOSOMAL DOMINANT. Identifiers: Orphanet 209341, Orphanet 363447, MedGen C5780022, MONDO:0008026, OMIM 158600.
Cortical dysplasia, complex, with other brain malformations 13. Also called: Intellectual disability, autosomal dominant 13. Identifiers: MedGen C3281202, MONDO:0013805, OMIM 614563.

Allele frequency attached by ClinVar (database versions not stated): gnomAD exomes 0.17312; ExAC 0.17522; ESP Exome Variant Server 0.20506; gnomAD 0.20803 and 0.20858; TOPMed 0.22163; 1000 Genomes Project 0.27356; 1000 Genomes Project 30x 0.27374.
gnomAD v4.1: 226,805 of 1,613,774 alleles (14%); highest among the groups gnomAD compares: African/African-American, 39%; 20,358 homozygotes.

Submissions (6):

Genome-Nilou Lab
Classification: Benign for Charcot-Marie-Tooth disease axonal type 2O. Last evaluated: 2021-07-30. Review status: criteria provided, single submitter. Criteria: ACMG Guidelines, 2015. Collection method: clinical testing. Allele origin: germline. Affected: no.

Genome-Nilou Lab
Classification: Benign for Cortical dysplasia, complex, with other brain malformations 13. Last evaluated: 2021-07-30. Review status: criteria provided, single submitter. Criteria: ACMG Guidelines, 2015. Collection method: clinical testing. Allele origin: germline. Affected: no.

Genome-Nilou Lab
Classification: Benign for Autosomal dominant childhood-onset proximal spinal muscular atrophy without contractures. Last evaluated: 2021-07-30. Review status: criteria provided, single submitter. Criteria: ACMG Guidelines, 2015. Collection method: clinical testing. Allele origin: germline. Affected: no.

GeneDx
Classification: Benign. Last evaluated: 2018-06-18. Review status: criteria provided, single submitter. Criteria: GeneDx Variant Classification (06012015). Collection method: clinical testing. Allele origin: germline. Affected: yes.
Comment: This variant is considered likely benign or benign based on one or more of the following criteria: it is a conservative change, it occurs at a poorly conserved position in the protein, it is predicted to be benign by multiple in silico algorithms, and/or has population frequency not consistent with disease.

Breakthrough Genomics
Classification: Benign. Review status: criteria provided, single submitter. Criteria: ACMG Guidelines, 2015. Collection method: not provided. Allele origin: germline. Inheritance: Autosomal dominant inheritance. Affected: yes.

Molecular Genetics Laboratory, London Health Sciences Centre
Classification: Benign for Charcot-Marie-Tooth disease. Review status: criteria provided, single submitter. Criteria: ACMG Guidelines, 2015. Collection method: clinical testing. Allele origin: germline. Affected: yes.